The following is an entry in ClinVar:

ClinVar aggregate classification (germline): Pathogenic (1 of 4 stars; one submission).

Conditions:
Inborn genetic diseases. Identifiers: MedGen C0950123, MeSH D030342.

Submission:

Ambry Genetics
Classification: Pathogenic for Inborn genetic diseases. Last evaluated: 2024-09-24. Review status: criteria provided, single submitter. Criteria: Ambry Variant Classification Scheme 2023. Collection method: clinical testing. Allele origin: germline.
Comment: The c.7350+1G>A intronic variant results from a G to A substitution one nucleotide after coding exon 18 of the SETD2 gene. Alterations that disrupt the canonical splice site are expected to cause aberrant splicing, resulting in an abnormal protein or a transcript that is subject to nonsense-mediated mRNA decay. for Luscan-Lumish syndrome; however, its clinical significance for SETD2-related multiple congenital anomalies syndrome is uncertain This variant was not reported in population-based cohorts in the Genome Aggregation Database (gnomAD). This nucleotide position is highly conserved in available vertebrate species. In silico splice site analysis predicts that this alteration will weaken the native splice donor site. Based on the available evidence, this alteration is classified as pathogenic.

NM_014159.7(SETD2):c.7350+1G>A

Gene: SETD2 (SET domain containing 2, histone lysine methyltransferase; minus strand). Cytogenetic location: 3p21.31.
Variant type: single nucleotide variant.
Coding change: c.7350+1G>A on transcript NM_014159.7 (MANE Select); the canonical splice donor site of the intron after coding-DNA position 7350, G replaced by A.
Molecular consequence: splice donor variant.
Genome position (GRCh38, 1-based): chr3:47,037,665, C>T on the plus strand (G>A on the coding strand, the complement: SETD2 is on the minus strand). VCF-style: chr3-47037665-C-T. GRCh37 (hg19) VCF-style: chr3-47079155-C-T.
Other names: c.7218+1G>A (NM_001349370.3).
Identifiers: ClinVar variation 3440198 (VCV003440198.1).